The following is an entry in ClinVar:

ClinVar aggregate classification (germline): Pathogenic (1 of 4 stars; one submission).

Submission:

Labcorp Genetics (formerly Invitae), Labcorp
Classification: Pathogenic. Last evaluated: 2025-04-22. Review status: criteria provided, single submitter. Criteria: Invitae Variant Classification Sherloc (09022015). Collection method: clinical testing. Allele origin: germline.
Comment: This sequence change creates a premature translational stop signal (p.Leu443Argfs*9) in the FZD4 gene. While this is not anticipated to result in nonsense mediated decay, it is expected to disrupt the last 95 amino acid(s) of the FZD4 protein. This variant is not present in population databases (gnomAD no frequency). This variant has not been reported in the literature in individuals affected with FZD4-related conditions. Algorithms developed to predict the effect of sequence changes on RNA splicing suggest that this variant may create or strengthen a splice site. This variant disrupts a region of the FZD4 protein in which other variant(s) (p.Gln505*) have been determined to be pathogenic (PMID: 15223780, 23077402). This suggests that this is a clinically significant region of the protein, and that variants that disrupt it are likely to be disease-causing. For these reasons, this variant has been classified as Pathogenic.

Literature cited by the submitters: PubMed 15223780; PubMed 23077402.

NM_012193.4(FZD4):c.1328del (p.Leu443fs)

Genes: FZD4 (frizzled class receptor 4; minus strand), PRSS23 (serine protease 23; plus strand). Cytogenetic location: 11q14.2.
Variant type: Deletion.
Coding change: c.1328del on transcript NM_012193.4 (MANE Select); coding-DNA position 1328, one base deleted (T; older notation c.1328delT).
Protein change: p.Leu443fs; shifts the reading frame from leucine 443.
Molecular consequence: frameshift variant. On other transcripts: non-coding transcript variant (2).
Genome position (GRCh38, 1-based): chr11:86,951,428, A deleted on the plus strand (T on the coding strand, the reverse complement: FZD4 is on the minus strand). VCF-style (leftmost placement, unchanged base first): chr11-86951427-CA-C. GRCh37 (hg19) VCF-style: chr11-86662469-CA-C.
Other names: short protein forms L443fs.
Identifiers: ClinVar variation 4718154 (VCV004718154.1).